The following is an entry in ClinVar:

ClinVar aggregate classification (germline): Likely pathogenic (1 of 4 stars; one submission).

Conditions:
X-linked Alport syndrome (ATS1). Also called: COL4A5-Related Nephropathy; NEPHROPATHY AND DEAFNESS, X-LINKED. Identifiers: Orphanet 63, Orphanet 88917, MedGen C4746986, MONDO:0010520, OMIM 301050.

Submissions (2):

Molecular Genetics, Royal Melbourne Hospital
Classification: Likely pathogenic for X-linked Alport syndrome. Last evaluated: 2022-12-23. Review status: criteria provided, single submitter. Criteria: ACMG Guidelines, 2015. Collection method: clinical testing. Allele origin: germline. Affected: yes.
Comment: This sequence change in COL4A5 occurs within the canonical splice donor site (+ 1) of intron 32. It is predicted to cause skipping of biologically relevant-exon 32, resulting in an in-frame deletion (removes amino acids 894-923) that is expected to escape nonsense-mediated decay and remove part of the collagen domain critical for protein function. An alternative change at this position (c.2678-1G>A) demonstrated exon 32 skipping in RNA studies (PMID: 29959198). This variant is absent from the population database gnomAD v2.1 and v3.1. This variant has been reported in at least two probands with a phenotype consistent with Alport syndrome (LOVD, Royal Melbourne Hospital). Based on the classification scheme RMH Modified ACMG Guidelines v1.5.1, this variant is classified as LIKELY PATHOGENIC. Following criteria are met: PVS1_Strong, PS4_Supporting, PM2_Supporting.

Dr. Peter K. Rogan Lab, Western University
No classification provided (evidence only). Condition: Melanoma. Review status: no classification provided. Collection method: in vitro. Allele origin: not applicable. Functional consequence: skipped exon. Not counted in ClinVar's aggregate classification.

Literature cited by the submitters: PubMed 29959198 (cited by Molecular Genetics, Royal Melbourne Hospital).

NM_033380.3(COL4A5):c.2678-1G>T

Gene: COL4A5 (collagen type IV alpha 5 chain; plus strand). Cytogenetic location: Xq22.3.
Variant type: single nucleotide variant.
Coding change: c.2678-1G>T on transcript NM_033380.3 (MANE Select); the canonical splice acceptor site of the intron before coding-DNA position 2678, G replaced by T.
Molecular consequence: splice acceptor variant.
Genome position (GRCh38, 1-based): chrX:108,621,802, G>T. VCF-style: chrX-108621802-G-T. GRCh37 (hg19) VCF-style: chrX-107865032-G-T.
Other names: NC_000023.10:g.107865032G>T; c.2678-1G>T (NM_000495.5).
Identifiers: ClinVar variation 3068585 (VCV003068585.2), dbSNP rs2524403418, ClinGen allele CA413851835.